The following is an entry in ClinVar:

NM_033026.6(PCLO):c.13039A>G (p.Ser4347Gly)

Gene: PCLO (piccolo presynaptic cytomatrix protein; minus strand). Cytogenetic location: 7q21.11.
Variant type: single nucleotide variant.
Coding change: c.13039A>G on transcript NM_033026.6 (MANE Select); coding-DNA position 13039, A replaced by G.
Protein change: p.Ser4347Gly; replaces serine 4347 with glycine.
Molecular consequence: missense variant.
Genome position (GRCh38, 1-based): chr7:82,914,947, T>C on the plus strand (A>G on the coding strand, the complement: PCLO is on the minus strand). VCF-style: chr7-82914947-T-C. GRCh37 (hg19) VCF-style: chr7-82544263-T-C.
Other names: c.13039A>G, p.Ser4347Gly (NM_014510.3); short protein forms S4347G.
Identifiers: ClinVar variation 1428862 (VCV001428862.5), dbSNP rs1278527022, ClinGen allele CA367884206.

ClinVar aggregate classification (germline): Uncertain significance (1 of 4 stars; one submission).

Allele frequency attached by ClinVar (database versions not stated): gnomAD exomes below 0.00001.
gnomAD v4.1: 2 of 1,613,702 alleles (0.00012%); highest among the groups gnomAD compares: Non-Finnish European, 0.00017%; no homozygotes.

Submission:

Labcorp Genetics (formerly Invitae), Labcorp
Classification: Uncertain significance. Last evaluated: 2022-07-05. Review status: criteria provided, single submitter. Criteria: Invitae Variant Classification Sherloc (09022015). Collection method: clinical testing. Allele origin: germline.
Comment: This sequence change replaces serine, which is neutral and polar, with glycine, which is neutral and non-polar, at codon 4347 of the PCLO protein (p.Ser4347Gly). This variant is present in population databases (no rsID available, gnomAD 0.0009%). This variant has not been reported in the literature in individuals affected with PCLO-related conditions. ClinVar contains an entry for this variant (Variation ID: 1428862). Algorithms developed to predict the effect of missense changes on protein structure and function are either unavailable or do not agree on the potential impact of this missense change (SIFT: "Deleterious"; PolyPhen-2: "Not Available"; Align-GVGD: "Class C0"). In summary, the available evidence is currently insufficient to determine the role of this variant in disease. Therefore, it has been classified as a Variant of Uncertain Significance.